The following is an entry in ClinVar:

NM_139318.5(KCNH5):c.2548G>A (p.Glu850Lys)

Gene: KCNH5 (potassium voltage-gated channel subfamily H member 5; minus strand). Cytogenetic location: 14q23.2.
Variant type: single nucleotide variant.
Coding change: c.2548G>A on transcript NM_139318.5 (MANE Select); coding-DNA position 2548, G replaced by A.
Protein change: p.Glu850Lys; replaces glutamic acid 850 with lysine.
Molecular consequence: missense variant. On other transcripts: 3 prime UTR variant (1).
Genome position (GRCh38, 1-based): chr14:62,707,927, C>T on the plus strand (G>A on the coding strand, the complement: KCNH5 is on the minus strand). VCF-style: chr14-62707927-C-T. GRCh37 (hg19) VCF-style: chr14-63174645-C-T.
Other names: c.*515G>A (NM_172375.3); short protein forms E850K.
Identifiers: ClinVar variation 3631845 (VCV003631845.2).
Genomic context (GRCh38, chr14:62,707,927, plus strand): 5'-TTGTAATTCCACTGTCACAAGAATCTGTTTTTCTTAGTGGGTTTTTGGTCACACTGTTCT[C>T]TGAATCACTGCTCTTGGGGTCCTCAGACAATAGCCCCATTGACTCAGCTTTAGTGACATT-3'
Protein context (NP_647479.2, residues 840-860): LSEDPKSSDS[Glu850Lys]NSVTKNPLRK

ClinVar aggregate classification (germline): Uncertain significance (1 of 4 stars; one submission).

Conditions:
Early-infantile DEE. Also called: Early infantile epileptic encephalopathy with suppression bursts; Early infantile epileptic encephalopathy; Ohtahara syndrome. Identifiers: Orphanet 1934, MedGen C0393706, MONDO:0800491.

Submission:

Labcorp Genetics (formerly Invitae), Labcorp
Classification: Uncertain significance for Early-infantile DEE. Last evaluated: 2024-03-27. Review status: criteria provided, single submitter. Criteria: Invitae Variant Classification Sherloc (09022015). Collection method: clinical testing. Allele origin: germline.
Comment: This sequence change replaces glutamic acid, which is acidic and polar, with lysine, which is basic and polar, at codon 850 of the KCNH5 protein (p.Glu850Lys). This variant is not present in population databases (gnomAD no frequency). This variant has not been reported in the literature in individuals affected with KCNH5-related conditions. Advanced modeling of protein sequence and biophysical properties (such as structural, functional, and spatial information, amino acid conservation, physicochemical variation, residue mobility, and thermodynamic stability) performed at Invitae indicates that this missense variant is not expected to disrupt KCNH5 protein function with a negative predictive value of 95%. In summary, the available evidence is currently insufficient to determine the role of this variant in disease. Therefore, it has been classified as a Variant of Uncertain Significance.